The following is an entry in ClinVar:

ClinVar aggregate classification (germline): Uncertain significance. Review status: criteria provided, multiple submitters, no conflicts (2 of 4 stars). 2 submissions from 2 submitters: Uncertain significance (2). Last evaluated 2024-03-27.

Allele frequency attached by ClinVar (database versions not stated): TOPMed 0.00042; ExAC 0.00019; gnomAD 0.00043 and 0.00046; gnomAD exomes 0.00012 and 0.00018; 1000 Genomes Project 30x 0.00031; ESP Exome Variant Server 0.00038; 1000 Genomes Project 0.00040.
gnomAD v4.1: 239 of 1,614,076 alleles (0.015%); highest among the groups gnomAD compares: African/African-American, 0.13%; no homozygotes.

Submissions (2):

Blueprint Genetics
Classification: Uncertain significance. Last evaluated: 2024-03-27. Review status: criteria provided, single submitter. Criteria: ACMG Guidelines, 2015. Collection method: clinical testing. Allele origin: germline.

Labcorp Genetics (formerly Invitae), Labcorp
Classification: Uncertain significance. Last evaluated: 2022-10-05. Review status: criteria provided, single submitter. Criteria: Invitae Variant Classification Sherloc (09022015). Collection method: clinical testing. Allele origin: germline.
Comment: This sequence change replaces arginine, which is basic and polar, with cysteine, which is neutral and slightly polar, at codon 318 of the SLC45A2 protein (p.Arg318Cys). This variant is present in population databases (rs35990319, gnomAD 0.2%). This variant has not been reported in the literature in individuals affected with SLC45A2-related conditions. ClinVar contains an entry for this variant (Variation ID: 1382692). Advanced modeling of protein sequence and biophysical properties (such as structural, functional, and spatial information, amino acid conservation, physicochemical variation, residue mobility, and thermodynamic stability) performed at Invitae indicates that this missense variant is expected to disrupt SLC45A2 protein function. In summary, the available evidence is currently insufficient to determine the role of this variant in disease. Therefore, it has been classified as a Variant of Uncertain Significance.

NM_016180.5(SLC45A2):c.952C>T (p.Arg318Cys)

Gene: SLC45A2 (solute carrier family 45 member 2; minus strand). Cytogenetic location: 5p13.2.
Variant type: single nucleotide variant.
Coding change: c.952C>T on transcript NM_016180.5 (MANE Select); coding-DNA position 952, C replaced by T.
Protein change: p.Arg318Cys; replaces arginine 318 with cysteine.
Molecular consequence: missense variant.
Genome position (GRCh38, 1-based): chr5:33,954,441, G>A on the plus strand (C>T on the coding strand, the complement: SLC45A2 is on the minus strand). VCF-style: chr5-33954441-G-A. GRCh37 (hg19) VCF-style: chr5-33954546-G-A.
Other names: c.952C>T, p.Arg318Cys (NM_001012509.4); c.626C>T, p.Pro209Leu (NM_001297417.4); short protein forms P209L, R318C.
Identifiers: ClinVar variation 1382692 (VCV001382692.4), dbSNP rs35990319, ClinGen allele CA3225637.